The following is an entry in ClinVar:

NM_030632.3(ASXL3):c.6190A>G (p.Thr2064Ala)

Gene: ASXL3 (ASXL transcriptional regulator 3; plus strand). Cytogenetic location: 18q12.1.
Variant type: single nucleotide variant.
Coding change: c.6190A>G on transcript NM_030632.3 (MANE Select); coding-DNA position 6190, A replaced by G.
Protein change: p.Thr2064Ala; replaces threonine 2064 with alanine.
Molecular consequence: missense variant.
Genome position (GRCh38, 1-based): chr18:33,746,038, A>G. VCF-style: chr18-33746038-A-G. GRCh37 (hg19) VCF-style: chr18-31326002-A-G.
Other names: short protein forms T2064A.
Identifiers: ClinVar variation 1028392 (VCV001028392.2), dbSNP rs2067783719, ClinGen allele CA402196319.

ClinVar aggregate classification (germline): Uncertain significance. Review status: criteria provided, multiple submitters, no conflicts (2 of 4 stars). 2 submissions from 2 submitters: Uncertain significance (2). Last evaluated 2026-07-02.

Conditions:
Bainbridge-Ropers syndrome. Also called: Severe feeding difficulties-failure to thrive-microcephaly due to ASXL3 deficiency syndrome. Identifiers: Orphanet 352577, MedGen C4750837, MONDO:0014205, OMIM 615485.
Inborn genetic diseases. Identifiers: MedGen C0950123, MeSH D030342.

Submissions (2):

Ambry Genetics
Classification: Uncertain significance for Inborn genetic diseases. Last evaluated: 2026-07-02. Review status: criteria provided, single submitter. Criteria: Ambry Variant Classification Scheme 2023. Collection method: clinical testing. Allele origin: germline.

Baylor Genetics
Classification: Uncertain significance for Bainbridge-Ropers syndrome. Last evaluated: 2019-02-15. Review status: criteria provided, single submitter. Criteria: ACMG Guidelines, 2015. Collection method: clinical testing. Allele origin: paternal. Affected: yes.
Comment: This variant was determined to be of uncertain significance according to ACMG Guidelines, 2015 [PMID:25741868].